The following is an entry in ClinVar:

NM_032119.4(ADGRV1):c.188A>G (p.Asn63Ser)

Gene: ADGRV1 (adhesion G protein-coupled receptor V1; plus strand). Cytogenetic location: 5q14.3.
Variant type: single nucleotide variant.
Coding change: c.188A>G on transcript NM_032119.4 (MANE Select); coding-DNA position 188, A replaced by G.
Protein change: p.Asn63Ser; replaces asparagine 63 with serine.
Molecular consequence: missense variant. On other transcripts: non-coding transcript variant (1).
Genome position (GRCh38, 1-based): chr5:90,615,000, A>G. VCF-style: chr5-90615000-A-G. GRCh37 (hg19) VCF-style: chr5-89910817-A-G.
Other names: short protein forms N63S.
Identifiers: ClinVar variation 1407248 (VCV001407248.6), dbSNP rs1194517447, ClinGen allele CA360382987.
Genomic context (GRCh38, chr5:90,615,000, plus strand): 5'-TTAATGAAACAAGTACAACAGTTATTCGTCTTATCATTGAAAGGATAGGAGAGCCAGCAA[A>G]TGTTACTGCAATTGTATCGGTAAGAAATTATTATAGCTCTATTTTTACTGAAATAGATAT-3'
Protein context (NP_115495.3, residues 53-73): LIIERIGEPA[Asn63Ser]VTAIVSLYGE

ClinVar aggregate classification (germline): Uncertain significance (1 of 4 stars; one submission).

Allele frequency attached by ClinVar (database versions not stated): gnomAD exomes 0.00001.
gnomAD v4.1: 4 of 1,469,124 alleles (0.00027%); highest among the groups gnomAD compares: Admixed American, 0.0024%; no homozygotes.

Submission:

Labcorp Genetics (formerly Invitae), Labcorp
Classification: Uncertain significance. Last evaluated: 2024-05-22. Review status: criteria provided, single submitter. Criteria: Invitae Variant Classification Sherloc (09022015). Collection method: clinical testing. Allele origin: germline.
Comment: This sequence change replaces asparagine, which is neutral and polar, with serine, which is neutral and polar, at codon 63 of the ADGRV1 protein (p.Asn63Ser). The frequency data for this variant in the population databases is considered unreliable, as metrics indicate poor data quality at this position in the gnomAD database. This variant has not been reported in the literature in individuals affected with ADGRV1-related conditions. ClinVar contains an entry for this variant (Variation ID: 1407248). Advanced modeling of protein sequence and biophysical properties (such as structural, functional, and spatial information, amino acid conservation, physicochemical variation, residue mobility, and thermodynamic stability) performed at Invitae indicates that this missense variant is not expected to disrupt ADGRV1 protein function with a negative predictive value of 95%. In summary, the available evidence is currently insufficient to determine the role of this variant in disease. Therefore, it has been classified as a Variant of Uncertain Significance.